The following is an entry in ClinVar:

NM_000051.4(ATM):c.4330_4333delinsTAAAATAAA (p.Leu1444_Phe1445delinsTer)

Gene: ATM (ATM serine/threonine kinase; plus strand). Cytogenetic location: 11q22.3.
Variant type: Indel.
Coding change: c.4330_4333delinsTAAAATAAA on transcript NM_000051.4 (MANE Select); coding-DNA positions 4330 to 4333, CTGT replaced by TAAAATAAA.
Protein change: p.Leu1444_Phe1445delinsTer.
Molecular consequence: nonsense.
Genome position (GRCh38, 1-based): chr11:108,289,695-108,289,698, CTGT replaced by TAAAATAAA. VCF-style: chr11-108289695-CTGT-TAAAATAAA. GRCh37 (hg19) VCF-style: chr11-108160422-CTGT-TAAAATAAA.
Other names: c.4330_4333delinsTAAAATAAA, p.Leu1444_Phe1445delinsTer (NM_001351834.2); c.4330_4333delCTGTinsTAAAATAAA (NM_000051.3).
Identifiers: ClinVar variation 407473 (VCV000407473.7), dbSNP rs1064792938, ClinGen allele CA16613051.

ClinVar aggregate classification (germline): Pathogenic. Review status: criteria provided, multiple submitters, no conflicts (2 of 4 stars). 3 submissions from 3 submitters: Pathogenic (3). Last evaluated 2025-11-07.

Conditions:
Ataxia-telangiectasia syndrome (AT). Also called: Ataxia telangiectasia (A-T); LOUIS-BAR SYNDROME; Cerebello-oculocutaneous telangiectasia; Immunodeficiency with ataxia telangiectasia; Ataxia-telangiectasia, complementation group D; AT, COMPLEMENTATION GROUP C. Identifiers: Orphanet 100, MedGen C0004135, MONDO:0008840, OMIM 208900.
Familial cancer of breast. Also called: Hereditary breast cancer; hereditary breast carcinoma; BREAST CANCER, FAMILIAL. Identifiers: Orphanet 227535, MedGen C0346153, MONDO:0016419, OMIM 114480. Disease mechanism: loss of function.
Hereditary cancer-predisposing syndrome. Also called: Hereditary neoplastic syndrome; Neoplastic Syndromes, Hereditary; Tumor predisposition; Hereditary Cancer Syndrome. Identifiers: Orphanet 140162, MedGen C0027672, MeSH D009386, MONDO:0015356.

Submissions (3):

Ambry Genetics
Classification: Pathogenic for Hereditary cancer-predisposing syndrome. Last evaluated: 2025-11-07. Review status: criteria provided, single submitter. Criteria: Ambry Variant Classification Scheme 2023. Collection method: clinical testing. Allele origin: germline.
Comment: The c.4330_4333delCTGTinsTAAAATAAA pathogenic mutation, located in coding exon 28 of the ATM gene, results from the deletion of 4 nucleotides and insertion of 9 nucleotides causing a translational frameshift with a predicted alternate stop codon (p.L1444*). This variant is considered to be rare based on population cohorts in the Genome Aggregation Database (gnomAD). This alteration is expected to result in loss of function by premature protein truncation or nonsense-mediated mRNA decay. As such, this alteration is interpreted as a disease-causing mutation.

Myriad Genetics, Inc.
Classification: Pathogenic for Familial cancer of breast. Last evaluated: 2024-01-24. Review status: criteria provided, single submitter. Criteria: Myriad Autosomal Dominant, Autosomal Recessive and X-Linked Classification Criteria (2023). Collection method: clinical testing. Allele origin: unknown.
Comment: This variant is considered pathogenic. This variant creates a termination codon and is predicted to result in premature protein truncation.

Labcorp Genetics (formerly Invitae), Labcorp
Classification: Pathogenic for Ataxia-telangiectasia syndrome. Last evaluated: 2021-11-26. Review status: criteria provided, single submitter. Criteria: Invitae Variant Classification Sherloc (09022015). Collection method: clinical testing. Allele origin: germline.
Comment: For these reasons, this variant has been classified as Pathogenic. This variant has not been reported in the literature in individuals affected with ATM-related conditions. This variant is not present in population databases (gnomAD no frequency). This sequence change creates a premature translational stop signal (p.Leu1444*) in the ATM gene. It is expected to result in an absent or disrupted protein product. Loss-of-function variants in ATM are known to be pathogenic (PMID: 23807571, 25614872).

Literature cited by the submitters: PubMed 23807571 (cited by Labcorp Genetics (formerly Invitae), Labcorp); PubMed 25614872 (cited by Labcorp Genetics (formerly Invitae), Labcorp).